The following is an entry in ClinVar:

NM_032634.4(PIGO):c.1952C>T (p.Ser651Phe)

Gene: PIGO (phosphatidylinositol glycan anchor biosynthesis class O; minus strand). Cytogenetic location: 9p13.3.
Variant type: single nucleotide variant.
Coding change: c.1952C>T on transcript NM_032634.4 (MANE Select); coding-DNA position 1952, C replaced by T.
Protein change: p.Ser651Phe; replaces serine 651 with phenylalanine.
Molecular consequence: missense variant. On other transcripts: intron variant (2).
Genome position (GRCh38, 1-based): chr9:35,091,935, G>A on the plus strand (C>T on the coding strand, the complement: PIGO is on the minus strand). VCF-style: chr9-35091935-G-A. GRCh37 (hg19) VCF-style: chr9-35091932-G-A.
Other names: c.1344+608C>T (NM_152850.4, NM_001201484.2); short protein forms S651F.
Identifiers: ClinVar variation 960151 (VCV000960151.11), dbSNP rs1441207104, ClinGen allele CA373321080.

ClinVar aggregate classification (germline): Uncertain significance. Review status: criteria provided, multiple submitters, no conflicts (2 of 4 stars). 2 submissions from 2 submitters: Uncertain significance (2). Last evaluated 2021-07-13.

Conditions:
Inborn genetic diseases. Identifiers: MedGen C0950123, MeSH D030342.
Hyperphosphatasia with impaired intellectual development syndrome 2. Also called: Hyperphosphatasia with intellectual disability syndrome 2; GLYCOSYLPHOSPHATIDYLINOSITOL BIOSYNTHESIS DEFECT 6. Identifiers: Orphanet 247262, MedGen C3553637, MONDO:0013882, OMIM 614749.

Submissions (2):

Ambry Genetics
Classification: Uncertain significance for Inborn genetic diseases. Last evaluated: 2021-07-13. Review status: criteria provided, single submitter. Criteria: Ambry Variant Classification Scheme 2023. Collection method: clinical testing. Allele origin: germline.

Labcorp Genetics (formerly Invitae), Labcorp
Classification: Uncertain significance for Hyperphosphatasia with impaired intellectual development syndrome 2. Last evaluated: 2021-02-04. Review status: criteria provided, single submitter. Criteria: Invitae Variant Classification Sherloc (09022015). Collection method: clinical testing. Allele origin: germline.
Comment: In summary, the available evidence is currently insufficient to determine the role of this variant in disease. Therefore, it has been classified as a Variant of Uncertain Significance. Algorithms developed to predict the effect of missense changes on protein structure and function are either unavailable or do not agree on the potential impact of this missense change (SIFT: "Tolerated"; PolyPhen-2: "Probably Damaging"; Align-GVGD: "Class C0"). This variant has not been reported in the literature in individuals with PIGO-related conditions. This variant is not present in population databases (ExAC no frequency). This sequence change replaces serine with phenylalanine at codon 651 of the PIGO protein (p.Ser651Phe). The serine residue is moderately conserved and there is a large physicochemical difference between serine and phenylalanine.